The following is an entry in ClinVar:

NM_000088.4(COL1A1):c.1A>G (p.Met1Val)

Gene: COL1A1 (collagen type I alpha 1 chain; minus strand). Cytogenetic location: 17q21.33.
Variant type: single nucleotide variant.
Coding change: c.1A>G on transcript NM_000088.4 (MANE Select); coding-DNA position 1, A replaced by G.
Protein change: p.Met1Val; changes the start codon (methionine 1).
Molecular consequence: missense variant, initiator codon variant.
Genome position (GRCh38, 1-based): chr17:50,201,513, T>C on the plus strand (A>G on the coding strand, the complement: COL1A1 is on the minus strand). VCF-style: chr17-50201513-T-C. GRCh37 (hg19) VCF-style: chr17-48278874-T-C.
Other names: short protein forms M1V.
Identifiers: ClinVar variation 526867 (VCV000526867.13), dbSNP rs1555575889, ClinGen allele CA400230611.

ClinVar aggregate classification (germline): Pathogenic. Review status: criteria provided, single submitter (1 of 4 stars). 3 submissions from 3 submitters: Pathogenic (1). 2 of the submissions do not count toward it. Last evaluated 2020-03-30.

Conditions:
Osteogenesis imperfecta type I (OI1). Also called: Osteogenesis imperfecta type 1; OI, TYPE I; OSTEOGENESIS IMPERFECTA TARDA; OSTEOGENESIS IMPERFECTA WITH BLUE SCLERAE; Lobstein's Disease; Lobstein disease. Identifiers: Orphanet 216796, Orphanet 666, MedGen C0023931, MONDO:0008146, OMIM 166200. Disease mechanism: loss of function.

Submissions (3):

Labcorp Genetics (formerly Invitae), Labcorp
Classification: Pathogenic for Osteogenesis imperfecta type I. Last evaluated: 2020-03-30. Review status: criteria provided, single submitter. Criteria: Invitae Variant Classification Sherloc (09022015). Collection method: clinical testing. Allele origin: germline.
Comment: For these reasons, this variant has been classified as Pathogenic. This variant has been reported in several individuals affected with osteogenesis imperfecta, type 1 (PMID: 27509835). Additionally, other nucleotide changes at the COL1A1 initiator codon (c.2T>G and c.2T>C) have also been reported in individuals affected with osteogenesis imperfecta, type 1 (PMID: 25696019, 23529829). This variant is not present in population databases (ExAC no frequency). This sequence change affects the initiator methionine of the COL1A1 mRNA. The next in-frame methionine is located at codon 181.

Genome Diagnostics Laboratory, Amsterdam University Medical Center
Classification: Pathogenic. Review status: no assertion criteria provided. Collection method: clinical testing. Allele origin: germline. Affected: yes. Study: VKGL Data-share Consensus. Not counted in ClinVar's aggregate classification.

Joint Genome Diagnostic Labs from Nijmegen and Maastricht, Radboudumc and MUMC+
Classification: Pathogenic. Review status: no assertion criteria provided. Collection method: clinical testing. Allele origin: germline. Affected: yes. Study: VKGL Data-share Consensus. Not counted in ClinVar's aggregate classification.

Literature cited by the submitters: PubMed 27509835 (cited by Labcorp Genetics (formerly Invitae), Labcorp); PubMed 25696019 (cited by Labcorp Genetics (formerly Invitae), Labcorp); PubMed 23529829 (cited by Labcorp Genetics (formerly Invitae), Labcorp).